The following is an entry in ClinVar:

NM_001844.5(COL2A1):c.589G>A (p.Gly197Arg)

Gene: COL2A1 (collagen type II alpha 1 chain; minus strand). Cytogenetic location: 12q13.11.
Variant type: single nucleotide variant.
Coding change: c.589G>A on transcript NM_001844.5 (MANE Select); coding-DNA position 589, G replaced by A.
Protein change: p.Gly197Arg; replaces glycine 197 with arginine.
Molecular consequence: missense variant.
Genome position (GRCh38, 1-based): chr12:47,996,568, C>T on the plus strand (G>A on the coding strand, the complement: COL2A1 is on the minus strand). VCF-style: chr12-47996568-C-T. GRCh37 (hg19) VCF-style: chr12-48390351-C-T.
Other names: c.382G>A, p.Gly128Arg (NM_033150.3); short protein forms G128R, G197R.
Identifiers: ClinVar variation 1355232 (VCV001355232.8), dbSNP rs2136622066, ClinGen allele CA384524158.

ClinVar aggregate classification (germline): Uncertain significance. Review status: criteria provided, multiple submitters, no conflicts (2 of 4 stars). 2 submissions from 2 submitters: Uncertain significance (2). Last evaluated 2021-12-08.

Conditions:
Achondrogenesis type II (ACG2). Also called: ACHONDROGENESIS, LANGER-SALDINO TYPE; CHONDROGENESIS IMPERFECTA. Identifiers: Orphanet 932, Orphanet 93296, MedGen C0220685, MONDO:0008702, OMIM 200610.
Avascular necrosis of femoral head, primary, 1 (ANFH1). Also called: Avascular necrosis of femoral head, primary. Identifiers: Orphanet 86820, MedGen C4551562, MONDO:0054550, OMIM 608805.
Stickler syndrome type 1 (STL1). Also called: COL2A1-Related Stickler Syndrome; ARTHROOPHTHALMOPATHY, HEREDITARY PROGRESSIVE; STICKLER SYNDROME, MEMBRANOUS VITREOUS TYPE; STICKLER SYNDROME, VITREOUS TYPE 1. Identifiers: Orphanet 828, Orphanet 90653, MedGen C2020284, MONDO:0007160, OMIM 108300.
Platyspondylic dysplasia, Torrance type (PLSDT). Identifiers: Orphanet 85166, MedGen C1835437, MONDO:0007895, OMIM 151210.
Legg-Calve-Perthes disease. Also called: Avascular necrosis of the capital femoral epiphysis; Osteochondritis deformans; Coxa plana; PERTHES DISEASE. Identifiers: Orphanet 2380, MedGen C1442965, MONDO:0007885, OMIM 150600, HP:0005743.
Kniest dysplasia. Identifiers: Orphanet 485, MedGen C0265279, MONDO:0007987, OMIM 156550.
Spondyloepiphyseal dysplasia with metatarsal shortening. Also called: Pseudorheumatoid dysplasia progressive, with hypoplastic toes; CZECH DYSPLASIA, METATARSAL TYPE; SPONDYLOEPIPHYSEAL DYSPLASIA WITH PRECOCIOUS OSTEOARTHRITIS. Identifiers: Orphanet 137678, MedGen C1836683, MONDO:0012206, OMIM 609162.
Stickler syndrome, type I, nonsyndromic ocular. Also called: STICKLER SYNDROME, ATYPICAL; STICKLER SYNDROME, TYPE I, PREDOMINANTLY OCULAR. Identifiers: MedGen C1836080, MONDO:0012287, OMIM 609508.
Spondyloepimetaphyseal dysplasia, Strudwick type (SEMDSTWK). Also called: DAPPLED METAPHYSIS SYNDROME; STRUDWICK SYNDROME. Identifiers: Orphanet 93346, MedGen C0700635, MONDO:0008476, OMIM 184250.
Vitreoretinopathy with phalangeal epiphyseal dysplasia (VPED). Identifiers: MedGen C1852989, MONDO:0031001, OMIM 619248.
Multiple epiphyseal dysplasia, Beighton type. Identifiers: Orphanet 166011, MedGen C1851536, MONDO:0007562, OMIM 132450.
Namaqualand hip dysplasia (OSCDP). Also called: Mild spondyloepiphyseal dysplasia due to COL2A1 mutation with early-onset osteoarthritis. Identifiers: Orphanet 93279, MedGen C0432214, MONDO:0011496, OMIM 604864.
Spondyloperipheral dysplasia. Also called: Spondyloperipheral dysplasia-short ulna syndrome; SPONDYLOPERIPHERAL DYSPLASIA WITH SHORT ULNA. Identifiers: Orphanet 1856, MedGen C0796173, MONDO:0010078, OMIM 271700.
Spondyloepiphyseal dysplasia congenita (SEDC). Also called: SED CONGENITA; SPONDYLOEPIPHYSEAL DYSPLASIA, CONGENITAL TYPE. Identifiers: Orphanet 94068, MedGen C2745959, MONDO:0008471, OMIM 183900.
Spondyloepiphyseal dysplasia, Stanescu type. Also called: SED, STANESCU TYPE; SPONDYLOEPIMETAPHYSEAL DYSPLASIA, STANESCU TYPE. Identifiers: Orphanet 459051, MedGen C4225273, MONDO:0014701, OMIM 616583.

Allele frequency attached by ClinVar (database versions not stated): gnomAD exomes below 0.00001.
gnomAD v4.1: 1 of 1,614,222 alleles (0.000062%); highest among the groups gnomAD compares: Non-Finnish European, 0.000085%; no homozygotes.

Submissions (2):

Labcorp Genetics (formerly Invitae), Labcorp
Classification: Uncertain significance. Last evaluated: 2021-12-08. Review status: criteria provided, single submitter. Criteria: Invitae Variant Classification Sherloc (09022015). Collection method: clinical testing. Allele origin: germline.
Comment: This variant is not present in population databases (gnomAD no frequency). In summary, the available evidence is currently insufficient to determine the role of this variant in disease. Therefore, it has been classified as a Variant of Uncertain Significance. Advanced modeling of protein sequence and biophysical properties (such as structural, functional, and spatial information, amino acid conservation, physicochemical variation, residue mobility, and thermodynamic stability) performed at Invitae indicates that this missense variant is not expected to disrupt COL2A1 protein function. This variant has not been reported in the literature in individuals affected with COL2A1-related conditions. This sequence change replaces glycine, which is neutral and non-polar, with arginine, which is basic and polar, at codon 197 of the COL2A1 protein (p.Gly197Arg).

Juno Genomics, Hangzhou Juno Genomics, Inc
Classification: Uncertain significance for Multiple epiphyseal dysplasia, Beighton type; Vitreoretinopathy with phalangeal epiphyseal dysplasia; Achondrogenesis type II; Avascular necrosis of femoral head, primary, 1; Spondyloepiphyseal dysplasia with metatarsal shortening; Kniest dysplasia; Legg-Calve-Perthes disease; Namaqualand hip dysplasia; Platyspondylic dysplasia, Torrance type; Spondyloepiphyseal dysplasia congenita; Spondyloepimetaphyseal dysplasia, Strudwick type; Spondyloepiphyseal dysplasia, Stanescu type; Spondyloperipheral dysplasia; Stickler syndrome type 1; Stickler syndrome, type I, nonsyndromic ocular. Review status: criteria provided, single submitter. Criteria: ACMG Guidelines, 2015. Collection method: clinical testing. Allele origin: germline.
Comment: Absent from controls (or at extremely low frequency if recessive) in Genome Aggregation Database.;Multiple lines of computational evidence support a deleterious effect on the gene or gene product.;Missense variant in a gene that has a low rate of benign missense variation.;Located in a mutational hot spot and/or critical and well-established functional domain without benign variation.